The following is an entry in ClinVar:

NM_001349338.3(FOXP1):c.1988A>G (p.His663Arg)

Gene: FOXP1 (forkhead box P1; minus strand). Cytogenetic location: 3p13.
Variant type: single nucleotide variant.
Coding change: c.1988A>G on transcript NM_001349338.3 (MANE Select); coding-DNA position 1988, A replaced by G.
Protein change: p.His663Arg; replaces histidine 663 with arginine.
Molecular consequence: missense variant. On other transcripts: non-coding transcript variant (2).
Genome position (GRCh38, 1-based): chr3:70,959,293, T>C on the plus strand (A>G on the coding strand, the complement: FOXP1 is on the minus strand). VCF-style: chr3-70959293-T-C. GRCh37 (hg19) VCF-style: chr3-71008444-T-C.
Other names: c.1688A>G, p.His563Arg (NM_001244815.2, NM_001349342.3, NM_001244813.3); c.1988A>G, p.His663Arg (NM_001244816.2, NM_001349340.3, NM_032682.6 and 1 more transcripts); c.1685A>G, p.His562Arg (NM_001349337.2, NM_001349343.3, NM_001349344.3 and 1 more transcripts); c.1985A>G, p.His662Arg (NM_001349341.3, NM_001244808.3); c.2036A>G, p.His679Arg (NM_001244810.2); c.1760A>G, p.His587Arg (NM_001244812.3); short protein forms H563R, H662R, H562R, H663R, H679R, H587R.
Identifiers: ClinVar variation 3650696 (VCV003650696.2).

ClinVar aggregate classification (germline): Uncertain significance (1 of 4 stars; one submission).

Submission:

Labcorp Genetics (formerly Invitae), Labcorp
Classification: Uncertain significance. Last evaluated: 2024-04-24. Review status: criteria provided, single submitter. Criteria: Invitae Variant Classification Sherloc (09022015). Collection method: clinical testing. Allele origin: germline.
Comment: This sequence change replaces histidine, which is basic and polar, with arginine, which is basic and polar, at codon 663 of the FOXP1 protein (p.His663Arg). This variant is not present in population databases (gnomAD no frequency). This variant has not been reported in the literature in individuals affected with FOXP1-related conditions. Advanced modeling of protein sequence and biophysical properties (such as structural, functional, and spatial information, amino acid conservation, physicochemical variation, residue mobility, and thermodynamic stability) performed at Invitae indicates that this missense variant is not expected to disrupt FOXP1 protein function with a negative predictive value of 95%. In summary, the available evidence is currently insufficient to determine the role of this variant in disease. Therefore, it has been classified as a Variant of Uncertain Significance.